The following is an entry in ClinVar:

NM_020937.4(FANCM):c.6026C>A (p.Ser2009Tyr)

Gene: FANCM (FA complementation group M; plus strand). Cytogenetic location: 14q21.2.
Variant type: single nucleotide variant.
Coding change: c.6026C>A on transcript NM_020937.4 (MANE Select); coding-DNA position 6026, C replaced by A.
Protein change: p.Ser2009Tyr; replaces serine 2009 with tyrosine.
Molecular consequence: missense variant.
Genome position (GRCh38, 1-based): chr14:45,199,887, C>A. VCF-style: chr14-45199887-C-A. GRCh37 (hg19) VCF-style: chr14-45669090-C-A.
Other names: c.5948C>A, p.Ser1983Tyr (NM_001308133.2); short protein forms S1983Y, S2009Y.
Identifiers: ClinVar variation 2810880 (VCV002810880.3), dbSNP rs2503284533, ClinGen allele CA389588017.
Genomic context (GRCh38, chr14:45,199,887, plus strand): 5'-CCAAAAGTCCTAGTGTAATGATTTTGTCTCATTTATTTTTCAGCTCACTTCAAGAAATCT[C>A]CATGTATGCACAAGTAACTCATCAGAAGGCTGAGGAGATCTATAGATATATTCACTATGT-3'
Protein context (NP_065988.1, residues 1999-2019): RMANSSLQEI[Ser2009Tyr]MYAQVTHQKA

ClinVar aggregate classification (germline): Uncertain significance (1 of 4 stars; one submission).

Conditions:
Fanconi anemia (FA). Also called: Fanconi's anemia. Identifiers: Orphanet 84, MedGen C0015625, MeSH D005199, MONDO:0019391.

Submission:

Labcorp Genetics (formerly Invitae), Labcorp
Classification: Uncertain significance for Fanconi anemia. Last evaluated: 2022-10-31. Review status: criteria provided, single submitter. Criteria: Invitae Variant Classification Sherloc (09022015). Collection method: clinical testing. Allele origin: germline.
Comment: This variant is not present in population databases (gnomAD no frequency). This sequence change replaces serine, which is neutral and polar, with tyrosine, which is neutral and polar, at codon 2009 of the FANCM protein (p.Ser2009Tyr). This variant has not been reported in the literature in individuals affected with FANCM-related conditions. Algorithms developed to predict the effect of missense changes on protein structure and function are either unavailable or do not agree on the potential impact of this missense change (SIFT: "Deleterious"; PolyPhen-2: "Possibly Damaging"; Align-GVGD: "Class C0"). In summary, the available evidence is currently insufficient to determine the role of this variant in disease. Therefore, it has been classified as a Variant of Uncertain Significance.